The following is an entry in ClinVar:

ClinVar aggregate classification (germline): Conflicting classifications of pathogenicity. Review status: criteria provided, conflicting classifications (1 of 4 stars). 8 submissions from 8 submitters: Uncertain significance (1); Benign (1); Likely benign (6). Last evaluated 2026-03-15.

Conditions:
TSC1-related disorder. Also called: TSC1-related condition.
Hereditary cancer-predisposing syndrome. Also called: Hereditary Cancer Syndrome; Neoplastic Syndromes, Hereditary; Tumor predisposition; Hereditary neoplastic syndrome. Identifiers: Orphanet 140162, MedGen C0027672, MeSH D009386, MONDO:0015356.
Tuberous sclerosis syndrome (TSC). Also called: Tuberous sclerosis; Tuberous Sclerosis Complex. Identifiers: Orphanet 805, MedGen C0041341, MONDO:0001734.
Tuberous sclerosis 1 (TSC1). Identifiers: Orphanet 805, MedGen C1854465, MONDO:0008612, OMIM 191100.

Allele frequency attached by ClinVar (database versions not stated): ExAC 0.00004; TOPMed 0.00006; gnomAD 0.00010.
gnomAD v4.1: 29 of 1,613,544 alleles (0.0018%); highest among the groups gnomAD compares: African/African-American, 0.032%; no homozygotes.

Submissions (8):

PreventionGenetics, part of Exact Sciences
Classification: Likely benign for TSC1-related condition. Last evaluated: 2026-03-15. Review status: criteria provided, single submitter. Criteria: ACMG Guidelines, 2015. Collection method: clinical testing. Allele origin: germline.
Comment: This variant is classified as likely benign based on ACMG/AMP sequence variant interpretation guidelines (Richards et al. 2015 PMID: 25741868, with internal and published modifications).

Labcorp Genetics (formerly Invitae), Labcorp
Classification: Likely benign for Tuberous sclerosis 1. Last evaluated: 2026-01-19. Review status: criteria provided, single submitter. Criteria: Invitae Variant Classification Sherloc (09022015). Collection method: clinical testing. Allele origin: germline.

Myriad Genetics, Inc.
Classification: Likely benign for Tuberous sclerosis 1. Last evaluated: 2024-08-15. Review status: criteria provided, single submitter. Criteria: Myriad Autosomal Dominant, Autosomal Recessive and X-Linked Classification Criteria (2023). Collection method: clinical testing. Allele origin: unknown.
Comment: This variant is considered likely benign. This variant has been observed at a population frequency that is significantly greater than expected given the associated disease prevalence and penetrance.

Color Diagnostics, LLC DBA Color Health
Classification: Likely benign for Tuberous sclerosis syndrome. Last evaluated: 2022-11-08. Review status: criteria provided, single submitter. Criteria: ACMG Guidelines, 2015. Collection method: clinical testing. Allele origin: germline.

Genome-Nilou Lab
Classification: Benign for Tuberous sclerosis 1. Last evaluated: 2021-11-07. Review status: criteria provided, single submitter. Criteria: ACMG Guidelines, 2015. Collection method: clinical testing. Allele origin: germline. Affected: no.

GeneDx
Classification: Likely benign. Last evaluated: 2019-04-15. Review status: criteria provided, single submitter. Criteria: GeneDx Variant Classification Process June 2021. Collection method: clinical testing. Allele origin: germline. Affected: yes.

Ambry Genetics
Classification: Likely benign for Hereditary cancer-predisposing syndrome. Last evaluated: 2018-10-29. Review status: criteria provided, single submitter. Criteria: Ambry Variant Classification Scheme 2023. Collection method: clinical testing. Allele origin: germline.

Genetic Services Laboratory, University of Chicago
Classification: Uncertain significance. Last evaluated: 2017-08-24. Review status: criteria provided, single submitter. Criteria: ACMG Guidelines, 2015. Collection method: clinical testing. Allele origin: germline. Affected: no.

NM_000368.5(TSC1):c.3125G>T (p.Ser1042Ile)

Gene: TSC1 (TSC complex subunit 1; minus strand). Cytogenetic location: 9q34.13.
Variant type: single nucleotide variant.
Coding change: c.3125G>T on transcript NM_000368.5 (MANE Select); coding-DNA position 3125, G replaced by T.
Protein change: p.Ser1042Ile; replaces serine 1042 with isoleucine.
Molecular consequence: missense variant.
Genome position (GRCh38, 1-based): chr9:132,896,605, C>A on the plus strand (G>T on the coding strand, the complement: TSC1 is on the minus strand). VCF-style: chr9-132896605-C-A. GRCh37 (hg19) VCF-style: chr9-135771992-C-A.
Other names: p.S1042I:AGC>ATC; c.3122G>T, p.Ser1041Ile (NM_001162426.2); c.2972G>T, p.Ser991Ile (NM_001162427.2); c.2762G>T, p.Ser921Ile (NM_001362177.2); short protein forms S1042I, S1041I, S921I, S991I.
Identifiers: ClinVar variation 207640 (VCV000207640.26), dbSNP rs148931779, ClinGen allele CA035967.
Genomic context (GRCh38, chr9:132,896,605, plus strand): 5'-CGACTGCTGAATGGGCCTGCCCTCTGGTGTGGGGGTTTCTCTGGGGTAGAAAGCTCGCTG[C>A]TGCTGCTGCTGCTGCCTCCACCACCTCTGCTTCCACTACTGCCCCGGGCGCTGCTGGGCC-3'
Protein context (NP_000359.1, residues 1032-1052): SRGGGGSSSS[Ser1042Ile]SELSTPEKPP